The following is an entry in ClinVar:

ClinVar aggregate classification (germline): Pathogenic (1 of 4 stars; one submission).

Submission:

Labcorp Genetics (formerly Invitae), Labcorp
Classification: Pathogenic. Last evaluated: 2023-02-16. Review status: criteria provided, single submitter. Criteria: Invitae Variant Classification Sherloc (09022015). Collection method: clinical testing. Allele origin: germline.
Comment: This variant has not been reported in the literature in individuals affected with TMPRSS3-related conditions. For these reasons, this variant has been classified as Pathogenic. This variant is not present in population databases (gnomAD no frequency). This sequence change creates a premature translational stop signal (p.Trp230*) in the TMPRSS3 gene. It is expected to result in an absent or disrupted protein product. Loss-of-function variants in TMPRSS3 are known to be pathogenic (PMID: 16021470, 26969326).

Literature cited by the submitters: PubMed 16021470; PubMed 26969326.

NM_001256317.3(TMPRSS3):c.690G>A (p.Trp230Ter)

Gene: TMPRSS3 (transmembrane serine protease 3; minus strand). Cytogenetic location: 21q22.3.
Variant type: single nucleotide variant.
Coding change: c.690G>A on transcript NM_001256317.3 (MANE Select); coding-DNA position 690, G replaced by A.
Protein change: p.Trp230Ter; replaces tryptophan 230 with a stop codon.
Molecular consequence: nonsense.
Genome position (GRCh38, 1-based): chr21:42,383,125, C>T on the plus strand (G>A on the coding strand, the complement: TMPRSS3 is on the minus strand). VCF-style: chr21-42383125-C-T. GRCh37 (hg19) VCF-style: chr21-43803234-C-T.
Other names: c.690G>A, p.Trp230Ter (NM_024022.4, NM_032405.2); c.309G>A, p.Trp103Ter (NM_032404.3); short protein forms W103*, W230*.
Identifiers: ClinVar variation 2835793 (VCV002835793.3), dbSNP rs2517116311, ClinGen allele CA410373334.